The following is an entry in ClinVar:

ClinVar aggregate classification (germline): Likely benign. Review status: criteria provided, multiple submitters, no conflicts (2 of 4 stars). 3 submissions from 3 submitters: Likely benign (3). Last evaluated 2025-11-25.

Conditions:
Combined immunodeficiency due to ZAP70 deficiency (IMD48). Also called: ZAP70 Deficiency; Immunodeficiency 48. Identifiers: Orphanet 911, MedGen C2931299, MONDO:0010023, OMIM 269840.

Allele frequency attached by ClinVar (database versions not stated): gnomAD exomes 0.00001 and 0.00002; gnomAD 0.00003; TOPMed 0.00003; ExAC 0.00002; ESP Exome Variant Server 0.00008.
gnomAD v4.1: 22 of 1,613,952 alleles (0.0014%); highest among the groups gnomAD compares: Admixed American, 0.01%; 1 homozygote.

Submissions (3):

Labcorp Genetics (formerly Invitae), Labcorp
Classification: Likely benign for Combined immunodeficiency due to ZAP70 deficiency. Last evaluated: 2025-11-25. Review status: criteria provided, single submitter. Criteria: Invitae Variant Classification Sherloc (09022015). Collection method: clinical testing. Allele origin: germline.

Mayo Clinic Laboratories, Mayo Clinic
Classification: Likely benign. Last evaluated: 2025-02-24. Review status: criteria provided, single submitter. Criteria: ACMG Guidelines, 2015. Collection method: clinical testing. Allele origin: germline. Observed: 1 variant allele.
Comment: BP4, BP7

Blueprint Genetics
Classification: Likely benign. Last evaluated: 2024-11-25. Review status: criteria provided, single submitter. Criteria: ACMG Guidelines, 2015. Collection method: clinical testing. Allele origin: germline.

NM_001079.4(ZAP70):c.1353C>T (p.Tyr451=)

Gene: ZAP70 (zeta chain of T cell receptor associated protein kinase 70; plus strand). Cytogenetic location: 2q11.2.
Variant type: single nucleotide variant.
Coding change: c.1353C>T on transcript NM_001079.4 (MANE Select); coding-DNA position 1353, C replaced by T.
Protein change: p.Tyr451=; no amino-acid change (tyrosine 451 retained).
Molecular consequence: synonymous variant.
Genome position (GRCh38, 1-based): chr2:97,737,536, C>T. VCF-style: chr2-97737536-C-T. GRCh37 (hg19) VCF-style: chr2-98353999-C-T.
Other names: p.Tyr451=; c.1353C>T, p.Tyr451= (NM_001378594.1); c.432C>T, p.Tyr144= (NM_207519.2).
Identifiers: ClinVar variation 706698 (VCV000706698.13), dbSNP rs200693152, ClinGen allele CA1790446.
Genomic context (GRCh38, chr2:97,737,536, plus strand): 5'-GGAGATCCCTGTGAGCAATGTGGCCGAGCTGCTGCACCAGGTGTCCATGGGGATGAAGTA[C>T]CTGGAGGAGAAGAACTTTGTGCACCGTGACCTGGCGGCCCGCAACGTCCTGCTGGTTAAC-3'
Protein context (NP_001070.2, residues 441-461): LLHQVSMGMK[Tyr451=]LEEKNFVHRD